The following is an entry in ClinVar:

ClinVar aggregate classification (germline): Likely benign. Review status: criteria provided, multiple submitters, no conflicts (2 of 4 stars). 4 submissions from 4 submitters: Likely benign (4). Last evaluated 2025-10-19.

Allele frequency attached by ClinVar (database versions not stated): 1000 Genomes Project 30x 0.00016; 1000 Genomes Project 0.00020.
gnomAD v4.1: 28 of 1,614,178 alleles (0.0017%); highest among the groups gnomAD compares: Middle Eastern, 0.099%; no homozygotes.

Submissions (4):

Labcorp Genetics (formerly Invitae), Labcorp
Classification: Likely benign. Last evaluated: 2025-10-19. Review status: criteria provided, single submitter. Criteria: Invitae Variant Classification Sherloc (09022015). Collection method: clinical testing. Allele origin: germline.

Mayo Clinic Laboratories, Mayo Clinic
Classification: Likely benign. Last evaluated: 2025-04-16. Review status: criteria provided, single submitter. Criteria: ACMG Guidelines, 2015. Collection method: clinical testing. Allele origin: germline. Observed: 1 variant allele.
Comment: BP4, BP7

CeGaT Center for Human Genetics Tuebingen
Classification: Likely benign. Last evaluated: 2024-08-01. Review status: criteria provided, single submitter. Criteria: CeGaT Center For Human Genetics Tuebingen Variant Classification Criteria Version 2. Collection method: clinical testing. Allele origin: germline. Affected: yes. Observed: 1 variant allele.
Comment: HK1: BP4, BP7

Blueprint Genetics
Classification: Likely benign. Last evaluated: 2024-06-07. Review status: criteria provided, single submitter. Criteria: ACMG Guidelines, 2015. Collection method: clinical testing. Allele origin: germline.

NM_000188.3(HK1):c.1392C>G (p.Ala464=)

Gene: HK1 (hexokinase 1; plus strand). Cytogenetic location: 10q22.1.
Variant type: single nucleotide variant.
Coding change: c.1392C>G on transcript NM_000188.3 (MANE Select); coding-DNA position 1392, C replaced by G.
Protein change: p.Ala464=; no amino-acid change (alanine 464 retained).
Molecular consequence: synonymous variant.
Genome position (GRCh38, 1-based): chr10:69,382,613, C>G. VCF-style: chr10-69382613-C-G. GRCh37 (hg19) VCF-style: chr10-71142369-C-G.
Other names: p.Ala463=; c.1404C>G, p.Ala468= (NM_001322364.2, NM_001358263.1, NM_033497.3 and 1 more transcripts); c.1497C>G, p.Ala499= (NM_001322365.2); c.1308C>G, p.Ala436= (NM_001322366.1); c.1296C>G, p.Ala432= (NM_001322367.1); c.1389C>G, p.Ala463= (NM_033496.3); c.1356C>G, p.Ala452= (NM_033500.2); c.1389C>G (NM_033496.2).
Identifiers: ClinVar variation 1145437 (VCV001145437.27), dbSNP rs192297958, ClinGen allele CA5532590.
Genomic context (GRCh38, chr10:69,382,613, plus strand): 5'-CTCGGAGAGTGGCAGCGGCAAGGGGGCTGCCATGGTGACGGCGGTGGCCTACCGCTTGGC[C>G]GAGCAGCACCGGCAGATAGAGGAGACCCTGGCTCATTTCCACCTCACCAAGGACATGCTG-3'
Protein context (NP_000179.2, residues 454-474): AMVTAVAYRL[Ala464=]EQHRQIEETL